The following is an entry in ClinVar:

NM_006059.4(LAMC3):c.4119G>A (p.Thr1373=)

Gene: LAMC3 (laminin subunit gamma 3; plus strand). Cytogenetic location: 9q34.12.
Variant type: single nucleotide variant.
Coding change: c.4119G>A on transcript NM_006059.4 (MANE Select); coding-DNA position 4119, G replaced by A.
Protein change: p.Thr1373=; no amino-acid change (threonine 1373 retained).
Molecular consequence: synonymous variant.
Genome position (GRCh38, 1-based): chr9:131,085,612, G>A. VCF-style: chr9-131085612-G-A. GRCh37 (hg19) VCF-style: chr9-133960999-G-A.
Identifiers: ClinVar variation 682456 (VCV000682456.28), dbSNP rs201780404, ClinGen allele CA5288056.

ClinVar aggregate classification (germline): Benign/Likely benign. Review status: criteria provided, multiple submitters, no conflicts (2 of 4 stars). 7 submissions from 7 submitters: Benign (1); Likely benign (5). 1 of the submissions does not count toward it. Last evaluated 2026-01-01.

Conditions:
LAMC3-related disorder. Also called: LAMC3-related condition.

Allele frequency attached by ClinVar (database versions not stated): ESP Exome Variant Server 0.00008; gnomAD 0.00011 and 0.00023; TOPMed 0.00014; gnomAD exomes 0.00051; ExAC 0.00060; 1000 Genomes Project 30x 0.00125; 1000 Genomes Project 0.00140.
gnomAD v4.1: 476 of 1,614,174 alleles (0.029%); highest among the groups gnomAD compares: South Asian, 0.32%; 1 homozygote.

Submissions (7):

Labcorp Genetics (formerly Invitae), Labcorp
Classification: Benign. Last evaluated: 2026-01-01. Review status: criteria provided, single submitter. Criteria: Invitae Variant Classification Sherloc (09022015). Collection method: clinical testing. Allele origin: germline.

CeGaT Center for Human Genetics Tuebingen
Classification: Likely benign. Last evaluated: 2025-02-01. Review status: criteria provided, single submitter. Criteria: CeGaT Center For Human Genetics Tuebingen Variant Classification Criteria Version 2. Collection method: clinical testing. Allele origin: germline. Affected: yes. Observed: 2 variant alleles.
Comment: LAMC3: BP4, BP7

Women's Health and Genetics/Laboratory Corporation of America, LabCorp
Classification: Likely benign. Last evaluated: 2024-08-02. Review status: criteria provided, single submitter. Criteria: LabCorp Variant Classification Summary - May 2015. Collection method: clinical testing. Allele origin: germline.

Blueprint Genetics
Classification: Likely benign. Last evaluated: 2024-06-27. Review status: criteria provided, single submitter. Criteria: ACMG Guidelines, 2015. Collection method: clinical testing. Allele origin: germline.

GeneDx
Classification: Likely benign. Last evaluated: 2021-03-15. Review status: criteria provided, single submitter. Criteria: GeneDx Variant Classification Process June 2021. Collection method: clinical testing. Allele origin: germline. Affected: yes.

Breakthrough Genomics
Classification: Likely benign. Review status: criteria provided, single submitter. Criteria: ACMG Guidelines, 2015. Collection method: not provided. Allele origin: germline. Inheritance: Autosomal recessive inheritance. Affected: yes.

PreventionGenetics, part of Exact Sciences
Classification: Likely benign for LAMC3-related condition. Last evaluated: 2019-06-10. Review status: no assertion criteria provided. Collection method: clinical testing. Allele origin: germline. Not counted in ClinVar's aggregate classification.
Comment: This variant is classified as likely benign based on ACMG/AMP sequence variant interpretation guidelines (Richards et al. 2015 PMID: 25741868, with internal and published modifications).